The following is an entry in ClinVar:

ClinVar aggregate classification (germline): Uncertain significance (1 of 4 stars; one submission).

Conditions:
Thrombophilia due to protein C deficiency, autosomal dominant. Also called: PROTEIN C DEFICIENCY, AUTOSOMAL DOMINANT; PROC DEFICIENCY, AUTOSOMAL DOMINANT. Identifiers: Orphanet 745, MedGen C2674321, MONDO:0008316, OMIM 176860. Disease mechanism: loss of function.

Submission:

Labcorp Genetics (formerly Invitae), Labcorp
Classification: Uncertain significance for Thrombophilia due to protein C deficiency, autosomal dominant. Last evaluated: 2022-09-07. Review status: criteria provided, single submitter. Criteria: Invitae Variant Classification Sherloc (09022015). Collection method: clinical testing. Allele origin: germline.
Comment: In summary, the available evidence is currently insufficient to determine the role of this variant in disease. Therefore, it has been classified as a Variant of Uncertain Significance. Algorithms developed to predict the effect of missense changes on protein structure and function (SIFT, PolyPhen-2, Align-GVGD) all suggest that this variant is likely to be tolerated. This variant is also known as p.Ala291Thr. This missense change has been observed in individual(s) with protein C deficiency (PMID: 30439769). It has also been observed to segregate with disease in related individuals. This variant is not present in population databases (gnomAD no frequency). This sequence change replaces alanine, which is neutral and non-polar, with threonine, which is neutral and polar, at codon 333 of the PROC protein (p.Ala333Thr).

Literature cited by the submitters: PubMed 30439769.

NM_000312.4(PROC):c.997G>A (p.Ala333Thr)

Gene: PROC (protein C, inactivator of coagulation factors Va and VIIIa; plus strand). Cytogenetic location: 2q14.3.
Variant type: single nucleotide variant.
Coding change: c.997G>A on transcript NM_000312.4 (MANE Select); coding-DNA position 997, G replaced by A.
Protein change: p.Ala333Thr; replaces alanine 333 with threonine.
Molecular consequence: missense variant.
Genome position (GRCh38, 1-based): chr2:127,428,557, G>A. VCF-style: chr2-127428557-G-A. GRCh37 (hg19) VCF-style: chr2-128186133-G-A.
Other names: c.1180G>A, p.Ala394Thr (NM_001375602.1); c.1162G>A, p.Ala388Thr (NM_001375603.1); c.1060G>A, p.Ala354Thr (NM_001375604.1); c.1099G>A, p.Ala367Thr (NM_001375605.1); c.1165G>A, p.Ala389Thr (NM_001375606.1); c.1183G>A, p.Ala395Thr (NM_001375607.1); c.940G>A, p.Ala314Thr (NM_001375608.1); c.973G>A, p.Ala325Thr (NM_001375609.1); and 2 more; short protein forms A333T, A354T, A395T, A331T, A367T, A389T, A394T, A314T.
Identifiers: ClinVar variation 2159349 (VCV002159349.4), dbSNP rs2468377603, ClinGen allele CA348405312.